The following is an entry in ClinVar:

ClinVar aggregate classification (germline): Uncertain significance. Review status: criteria provided, multiple submitters, no conflicts (2 of 4 stars). 2 submissions from 2 submitters: Uncertain significance (2). Last evaluated 2025-10-23.

Conditions:
Alport syndrome. Also called: Hemorrhagic familial nephritis; Hemorrhagic hereditary nephritis; Congenital hereditary hematuria. Identifiers: Orphanet 63, MedGen C1567741, MONDO:0018965.

Allele frequency attached by ClinVar (database versions not stated): ExAC 0.00002; gnomAD 0.00001; gnomAD exomes 0.00002 and 0.00001; ESP Exome Variant Server 0.00008; TOPMed 0.00002.
gnomAD v4.1: 27 of 1,613,970 alleles (0.0017%); highest among the groups gnomAD compares: Non-Finnish European, 0.0022%; no homozygotes.

Submissions (3):

GeneDx
Classification: Uncertain significance. Last evaluated: 2025-10-23. Review status: criteria provided, single submitter. Criteria: GeneDx Variant Classification Process June 2021. Collection method: clinical testing. Allele origin: germline.
Comment: Not observed at significant frequency in large population cohorts (gnomAD); In silico analysis suggests that this missense variant does not alter protein structure/function; In silico analysis is inconclusive as to whether the variant alters gene splicing. In the absence of RNA/functional studies, the actual effect of this sequence change is unknown.; Has not been previously published as pathogenic or benign to our knowledge; Occurs in the triple helical domain at the Y position in the canonical Gly-X-Y repeat; although this variant may have an effect on normal protein folding and function, missense substitution at the Y position is not a common mechanism of disease

Illumina Laboratory Services, Illumina
Classification: Uncertain significance for Alport syndrome. Last evaluated: 2018-01-13. Review status: criteria provided, single submitter. Criteria: ICSL Variant Classification Criteria 13 December 2019. Collection method: clinical testing. Allele origin: germline.

Dr. Peter K. Rogan Lab, Western University
No classification provided (evidence only). Condition: Malignant tumor of esophagus. Review status: no classification provided. Collection method: in vitro. Allele origin: not applicable. Functional consequence: retained intron. Not counted in ClinVar's aggregate classification.

NM_000092.5(COL4A4):c.620C>T (p.Ala207Val)

Gene: COL4A4 (collagen type IV alpha 4 chain; minus strand). Cytogenetic location: 2q36.3.
Variant type: single nucleotide variant.
Coding change: c.620C>T on transcript NM_000092.5 (MANE Select); coding-DNA position 620, C replaced by T.
Protein change: p.Ala207Val; replaces alanine 207 with valine.
Molecular consequence: missense variant.
Genome position (GRCh38, 1-based): chr2:227,109,261, G>A on the plus strand (C>T on the coding strand, the complement: COL4A4 is on the minus strand). VCF-style: chr2-227109261-G-A. GRCh37 (hg19) VCF-style: chr2-227973977-G-A.
Other names: NC_000002.11:g.227973977G>A; short protein forms A207V.
Identifiers: ClinVar variation 898815 (VCV000898815.7), dbSNP rs369698515, ClinGen allele CA2145552.